The following is an entry in ClinVar:

ClinVar aggregate classification (germline): Uncertain significance (1 of 4 stars; one submission).

Allele frequency attached by ClinVar (database versions not stated): gnomAD 0.00001; TOPMed 0.00001; ExAC 0.00002.
gnomAD v4.1: 10 of 1,604,878 alleles (0.00062%); highest among the groups gnomAD compares: Middle Eastern, 0.017%; no homozygotes.

Submission:

Labcorp Genetics (formerly Invitae), Labcorp
Classification: Uncertain significance. Last evaluated: 2022-07-30. Review status: criteria provided, single submitter. Criteria: Invitae Variant Classification Sherloc (09022015). Collection method: clinical testing. Allele origin: germline.
Comment: In summary, the available evidence is currently insufficient to determine the role of this variant in disease. Therefore, it has been classified as a Variant of Uncertain Significance. Algorithms developed to predict the effect of missense changes on protein structure and function (SIFT, PolyPhen-2, Align-GVGD) all suggest that this variant is likely to be tolerated. This variant has not been reported in the literature in individuals affected with DMXL2-related conditions. This variant is present in population databases (rs775701630, gnomAD 0.005%). This sequence change replaces methionine, which is neutral and non-polar, with valine, which is neutral and non-polar, at codon 200 of the DMXL2 protein (p.Met200Val).

NM_001378457.1(DMXL2):c.598A>G (p.Met200Val)

Gene: DMXL2 (Dmx like 2; minus strand). Cytogenetic location: 15q21.2.
Variant type: single nucleotide variant.
Coding change: c.598A>G on transcript NM_001378457.1 (MANE Select); coding-DNA position 598, A replaced by G.
Protein change: p.Met200Val; replaces methionine 200 with valine.
Molecular consequence: missense variant. On other transcripts: non-coding transcript variant (2).
Genome position (GRCh38, 1-based): chr15:51,547,378, T>C on the plus strand (A>G on the coding strand, the complement: DMXL2 is on the minus strand). VCF-style: chr15-51547378-T-C. GRCh37 (hg19) VCF-style: chr15-51839575-T-C.
Other names: c.598A>G, p.Met200Val (NM_001174116.3, NM_001174117.3, NM_001378458.1 and 7 more transcripts); short protein forms M200V.
Identifiers: ClinVar variation 1933767 (VCV001933767.3), dbSNP rs775701630, ClinGen allele CA7562778.
Genomic context (GRCh38, chr15:51,547,378, plus strand): 5'-ACTGTCTCCTTTTTACTTCATGATGATCCTGAGGTATAATTGAAGACTTCCAACCAGTCA[T>C]AGGATACCACACTTTCAAAAGACAATCATCCTGAAAAATACATAGGTCAATATAAAATTA-3'
Protein context (NP_001365386.1, residues 190-210): DDCLLKVWYP[Met200Val]TGWKSSIIPQ